The following is an entry in ClinVar:

NM_001009944.3(PKD1):c.1543G>C (p.Gly515Arg)

Gene: PKD1 (polycystin 1, transient receptor potential channel interacting; minus strand). Cytogenetic location: 16p13.3.
Variant type: single nucleotide variant.
Coding change: c.1543G>C on transcript NM_001009944.3 (MANE Select); coding-DNA position 1543, G replaced by C.
Protein change: p.Gly515Arg; replaces glycine 515 with arginine.
Molecular consequence: missense variant.
Genome position (GRCh38, 1-based): chr16:2,116,896, C>G on the plus strand (G>C on the coding strand, the complement: PKD1 is on the minus strand). VCF-style: chr16-2116896-C-G. GRCh37 (hg19) VCF-style: chr16-2166897-C-G.
Other names: c.1543G>C, p.Gly515Arg (NM_000296.4); short protein forms G515R.
Identifiers: ClinVar variation 4293994 (VCV004293994.1).
Genomic context (GRCh38, chr16:2,116,896, plus strand): 5'-CGGGCTGCAGCTCGCAGACGTAGCTGTGCGGCGCTGAGCACAGGTCGGTGTTACACCACC[C>G]GGTGGGCCCGAGCCGGACGCAGTGCTCGGCTGTGGCTGGGTGTGGCTCCCCGGGCAGCCA-3'
Protein context (NP_001009944.3, residues 505-525): AEHCVRLGPT[Gly515Arg]WCNTDLCSAP

ClinVar aggregate classification (germline): Likely pathogenic (1 of 4 stars; one submission).

Conditions:
Polycystic kidney disease, adult type (PKD1). Also called: POLYCYSTIC KIDNEY DISEASE 1 WITH OR WITHOUT POLYCYSTIC LIVER DISEASE; POLYCYSTIC KIDNEY DISEASE, ADULT, TYPE I; Polycystic Kidney, Autosomal Dominant; Polycystic Kidney Disease 1, Autosomal Dominant; Polycystic kidney disease 1; Polycystic kidney disease 1, severe. Identifiers: MedGen C3149841, MONDO:0008263, OMIM 173900.

Submission:

3billion
Classification: Likely pathogenic for Polycystic kidney disease, adult type. Last evaluated: 2024-12-13. Review status: criteria provided, single submitter. Criteria: ACMG Guidelines, 2015. Collection method: clinical testing. Allele origin: germline. Affected: yes.
Comment: The variant is observed at an extremely low frequency in the gnomAD v4.1.0 dataset (total allele frequency: <0.001%). Predicted Consequence/Location: Missense variant In silico tool predictions suggest damaging effect of the variant on gene or gene product [3Cnet: 0.63 (>=0.6, sensitivity 0.72 and precision 0.9)]. The different nucleotide change resulting in the same amino acid change has been previously reported to be associated with PKD1-related disorder(ClinVar ID: VCV000447972). A different missense change at the same codon (p.Gly515Trp) has been reported as pathogenic/likely pathogenic with strong evidence (ClinVar ID: VCV000974404). Therefore, this variant is classified as Likely pathogenic according to the recommendation of ACMG/AMP guideline.